The following is an entry in ClinVar:

NM_023036.6(DNAI2):c.1762G>A (p.Gly588Arg)

Gene: DNAI2 (dynein axonemal intermediate chain 2; plus strand). Cytogenetic location: 17q25.1.
Variant type: single nucleotide variant.
Coding change: c.1762G>A on transcript NM_023036.6 (MANE Select); coding-DNA position 1762, G replaced by A.
Protein change: p.Gly588Arg; replaces glycine 588 with arginine.
Molecular consequence: missense variant. On other transcripts: non-coding transcript variant (1).
Genome position (GRCh38, 1-based): chr17:74,314,160, G>A. VCF-style: chr17-74314160-G-A. GRCh37 (hg19) VCF-style: chr17-72310299-G-A.
Other names: c.1726G>A, p.Gly576Arg (NM_001172810.3); c.1894G>A, p.Gly632Arg (NM_001353167.2); short protein forms G588R, G576R, G632R.
Identifiers: ClinVar variation 1990778 (VCV001990778.1), dbSNP rs749213632, ClinGen allele CA8745917.
Genomic context (GRCh38, chr17:74,314,160, plus strand): 5'-CTGTGCTGTCTTCCCCTGCAGCAGCAACCAAGTCCAGAAGAAGACCAGGTGGTGGAGGAG[G>A]GAGAGGAAGCAGCGGGGGAAGAAGGGGATGAAGAAGTGGAAGAAGACTTAGCCTAGAAGT-3'
Protein context (NP_075462.3, residues 578-598): SPEEDQVVEE[Gly588Arg]EEAAGEEGDE

ClinVar aggregate classification (germline): Uncertain significance (1 of 4 stars; one submission).

Conditions:
Primary ciliary dyskinesia. Also called: Ciliary dyskinesia. Identifiers: Orphanet 244, MedGen C0008780, MONDO:0016575, HP:0012265.

Allele frequency attached by ClinVar (database versions not stated): ExAC 0.00003.
gnomAD v4.1: 17 of 1,614,202 alleles (0.0011%); highest among the groups gnomAD compares: Non-Finnish European, 0.0014%; no homozygotes.

Submission:

Labcorp Genetics (formerly Invitae), Labcorp
Classification: Uncertain significance for Primary ciliary dyskinesia. Last evaluated: 2022-05-24. Review status: criteria provided, single submitter. Criteria: Invitae Variant Classification Sherloc (09022015). Collection method: clinical testing. Allele origin: germline.
Comment: This sequence change replaces glycine, which is neutral and non-polar, with arginine, which is basic and polar, at codon 588 of the DNAI2 protein (p.Gly588Arg). This variant is present in population databases (rs749213632, gnomAD 0.004%). This variant has not been reported in the literature in individuals affected with DNAI2-related conditions. Algorithms developed to predict the effect of missense changes on protein structure and function are either unavailable or do not agree on the potential impact of this missense change (SIFT: "Tolerated"; PolyPhen-2: "Not Available"; Align-GVGD: "Class C0"). In summary, the available evidence is currently insufficient to determine the role of this variant in disease. Therefore, it has been classified as a Variant of Uncertain Significance.